The following is an entry in ClinVar:

NM_000081.4(LYST):c.7525A>G (p.Ile2509Val)

Gene: LYST (lysosomal trafficking regulator; minus strand). Cytogenetic location: 1q42.3.
Variant type: single nucleotide variant.
Coding change: c.7525A>G on transcript NM_000081.4 (MANE Select); coding-DNA position 7525, A replaced by G.
Protein change: p.Ile2509Val; replaces isoleucine 2509 with valine.
Molecular consequence: missense variant.
Genome position (GRCh38, 1-based): chr1:235,752,107, T>C on the plus strand (A>G on the coding strand, the complement: LYST is on the minus strand). VCF-style: chr1-235752107-T-C. GRCh37 (hg19) VCF-style: chr1-235915407-T-C.
Other names: c.7525A>G, p.Ile2509Val (NM_001301365.1); short protein forms I2509V.
Identifiers: ClinVar variation 3667112 (VCV003667112.1).

ClinVar aggregate classification (germline): Uncertain significance (1 of 4 stars; one submission).

Conditions:
Chédiak-Higashi syndrome (CHS). Also called: Chediak-Higashi Syndrome. Identifiers: Orphanet 167, MedGen C0007965, MONDO:0008963, OMIM 214500.

gnomAD v4.1: 17 of 1,611,500 alleles (0.0011%); highest among the groups gnomAD compares: Non-Finnish European, 0.0014%; no homozygotes.

Submission:

Labcorp Genetics (formerly Invitae), Labcorp
Classification: Uncertain significance for Chédiak-Higashi syndrome. Last evaluated: 2024-02-01. Review status: criteria provided, single submitter. Criteria: Invitae Variant Classification Sherloc (09022015). Collection method: clinical testing. Allele origin: germline.
Comment: This sequence change replaces isoleucine, which is neutral and non-polar, with valine, which is neutral and non-polar, at codon 2509 of the LYST protein (p.Ile2509Val). This variant is not present in population databases (gnomAD no frequency). This variant has not been reported in the literature in individuals affected with LYST-related conditions. Advanced modeling of protein sequence and biophysical properties (such as structural, functional, and spatial information, amino acid conservation, physicochemical variation, residue mobility, and thermodynamic stability) performed at Invitae indicates that this missense variant is not expected to disrupt LYST protein function with a negative predictive value of 80%. In summary, the available evidence is currently insufficient to determine the role of this variant in disease. Therefore, it has been classified as a Variant of Uncertain Significance.